The following is an entry in ClinVar:

ClinVar aggregate classification (germline): Uncertain significance. Review status: criteria provided, multiple submitters, no conflicts (2 of 4 stars). 2 submissions from 2 submitters: Uncertain significance (2). Last evaluated 2024-02-05.

Conditions:
Hereditary cancer-predisposing syndrome. Also called: Hereditary Cancer Syndrome; Neoplastic Syndromes, Hereditary; Tumor predisposition; Hereditary neoplastic syndrome. Identifiers: Orphanet 140162, MedGen C0027672, MeSH D009386, MONDO:0015356.
Breast-ovarian cancer, familial, susceptibility to, 2 (BROVCA2). Also called: BRCA2 Hereditary Breast and Ovarian Cancer. Identifiers: Orphanet 145, MedGen C2675520, MONDO:0012933, OMIM 612555. Disease mechanism: loss of function.

Submissions (2):

All of Us Research Program, National Institutes of Health
Classification: Uncertain significance for Breast-ovarian cancer, familial, susceptibility to, 2. Last evaluated: 2024-02-05. Review status: criteria provided, single submitter. Criteria: ACMG Guidelines, 2015. Collection method: clinical testing. Allele origin: germline. Inheritance: Autosomal dominant inheritance. Observed: 1 variant allele, 1 heterozygote.
Comment: This missense variant replaces methionine with leucine at codon 3248 of the BRCA2 protein. Computational prediction suggests that this variant may not impact protein structure and function. To our knowledge, functional studies have not been reported for this variant. This variant has not been reported in individuals affected with BRCA2-related disorders in the literature. This variant has not been identified in the general population by the Genome Aggregation Database (gnomAD). The available evidence is insufficient to determine the role of this variant in disease conclusively. Therefore, this variant is classified as a Variant of Uncertain Significance.

This study involves interpretation of variants in research participants for the purpose of population health screening. Participant phenotype was not available at the time of variant classification. Additional details can be found in publication PMID: 35346344, PMCID: PMC8962531

Ambry Genetics
Classification: Uncertain significance for Hereditary cancer-predisposing syndrome. Last evaluated: 2015-06-29. Review status: criteria provided, single submitter. Criteria: Ambry Variant Classification Scheme 2023. Collection method: clinical testing. Allele origin: germline.
Comment: The p.M3248L variant (also known as c.9742A>C and 9970A>C), located in coding exon 26 of the BRCA2 gene, results from an A to C substitution at nucleotide position 9742. The methionine at codon 3248 is replaced by leucine, an amino acid with highly similar properties. This variant was not reported in population based cohorts in the following databases: Database of Single Nucleotide Polymorphisms (dbSNP), NHLBI Exome Sequencing Project (ESP), and 1000 Genomes Project. In the ESP, this variant was not observed in 6503 samples (13006 alleles) with coverage at this position. To date, this alteration has been detected with an allele frequency of approximately 0.001% (greater than 150000 alleles tested) in our clinical cohort. This amino acid position is poorly conserved in available vertebrate species. In addition, this alteration is predicted to be tolerated by in silico analysis. Since supporting evidence is limited at this time, the clinical significance of p.M3248L remains unclear.

NM_000059.4(BRCA2):c.9742A>C (p.Met3248Leu)

Gene: BRCA2 (BRCA2 DNA repair associated; plus strand). Cytogenetic location: 13q13.1.
Variant type: single nucleotide variant.
Coding change: c.9742A>C on transcript NM_000059.4 (MANE Select); coding-DNA position 9742, A replaced by C.
Protein change: p.Met3248Leu; replaces methionine 3248 with leucine.
Molecular consequence: missense variant.
Genome position (GRCh38, 1-based): chr13:32,398,255, A>C. VCF-style: chr13-32398255-A-C. GRCh37 (hg19) VCF-style: chr13-32972392-A-C.
Other names: short protein forms M3248L.
Identifiers: ClinVar variation 232457 (VCV000232457.6), dbSNP rs876659778, ClinGen allele CA10579844.
Genomic context (GRCh38, chr13:32,398,255, plus strand): 5'-AGTCCTTTATCACTTTGTATGGCCAAAAGGAAGTCTGTTTCCACACCTGTCTCAGCCCAG[A>C]TGACTTCAAAGTCTTGTAAAGGGGAGAAAGAGATTGATGACCAAAAGAACTGCAAAAAGA-3'
Protein context (NP_000050.3, residues 3238-3258): KSVSTPVSAQ[Met3248Leu]TSKSCKGEKE